The following is an entry in ClinVar:

ClinVar aggregate classification (germline): Likely benign (1 of 4 stars; one submission).

Allele frequency attached by ClinVar (database versions not stated): 1000 Genomes Project 30x 0.00109; 1000 Genomes Project 0.00120; ExAC 0.00163; TOPMed 0.00202; gnomAD 0.00228; ESP Exome Variant Server 0.00331.

Submission:

CeGaT Center for Human Genetics Tuebingen
Classification: Likely benign. Last evaluated: 2022-06-01. Review status: criteria provided, single submitter. Criteria: CeGaT Center For Human Genetics Tuebingen Variant Classification Criteria Version 2. Collection method: clinical testing. Allele origin: germline. Affected: yes. Observed: 1 variant allele.
Comment: ZNF280A: BP4, BP7

NM_080740.5(ZNF280A):c.819C>T (p.Ile273=)

Genes: IGL (immunoglobulin lambda locus; plus strand), ZNF280A (zinc finger protein 280A; minus strand). Cytogenetic location: 22q11.22.
Variant type: single nucleotide variant.
Coding change: c.819C>T on transcript NM_080740.5 (MANE Select); coding-DNA position 819, C replaced by T.
Protein change: p.Ile273=; no amino-acid change (isoleucine 273 retained).
Molecular consequence: synonymous variant.
Genome position (GRCh38, 1-based): chr22:22,514,812, G>A on the plus strand (C>T on the coding strand, the complement: ZNF280A is on the minus strand). VCF-style: chr22-22514812-G-A. GRCh37 (hg19) VCF-style: chr22-22869136-G-A.
Identifiers: ClinVar variation 2652953 (VCV002652953.24), dbSNP rs150588157, ClinGen allele CA10132048.